The following is an entry in ClinVar:

ClinVar aggregate classification (germline): Uncertain significance. Review status: criteria provided, multiple submitters, no conflicts (2 of 4 stars). 2 submissions from 2 submitters: Uncertain significance (2). Last evaluated 2024-12-23.

Conditions:
Inborn genetic diseases. Identifiers: MedGen C0950123, MeSH D030342.
Baller-Gerold syndrome (BGS). Also called: CRANIOSYNOSTOSIS WITH RADIAL DEFECTS. Identifiers: Orphanet 1225, MedGen C0265308, MONDO:0009039, OMIM 218600.

Allele frequency attached by ClinVar (database versions not stated): TOPMed below 0.00001.

Submissions (2):

Ambry Genetics
Classification: Uncertain significance for Inborn genetic diseases. Last evaluated: 2024-12-23. Review status: criteria provided, single submitter. Criteria: Ambry Variant Classification Scheme 2023. Collection method: clinical testing. Allele origin: germline.
Comment: The p.N316H variant (also known as c.946A>C), located in coding exon 5 of the RECQL4 gene, results from an A to C substitution at nucleotide position 946. The asparagine at codon 316 is replaced by histidine, an amino acid with similar properties. This amino acid position is conserved. In addition, this alteration is predicted to be tolerated by in silico analysis. Based on the available evidence, the clinical significance of this variant remains unclear.

Labcorp Genetics (formerly Invitae), Labcorp
Classification: Uncertain significance for Baller-Gerold syndrome. Last evaluated: 2024-01-18. Review status: criteria provided, single submitter. Criteria: Invitae Variant Classification Sherloc (09022015). Collection method: clinical testing. Allele origin: germline.
Comment: This sequence change replaces asparagine, which is neutral and polar, with histidine, which is basic and polar, at codon 316 of the RECQL4 protein (p.Asn316His). This variant is not present in population databases (gnomAD no frequency). This variant has not been reported in the literature in individuals affected with RECQL4-related conditions. ClinVar contains an entry for this variant (Variation ID: 572092). Experimental studies and prediction algorithms are not available or were not evaluated, and the functional significance of this variant is currently unknown. In summary, the available evidence is currently insufficient to determine the role of this variant in disease. Therefore, it has been classified as a Variant of Uncertain Significance.

NM_004260.4(RECQL4):c.946A>C (p.Asn316His)

Gene: RECQL4 (RecQ like helicase 4; minus strand). Cytogenetic location: 8q24.3.
Variant type: single nucleotide variant.
Coding change: c.946A>C on transcript NM_004260.4 (MANE Select); coding-DNA position 946, A replaced by C.
Protein change: p.Asn316His; replaces asparagine 316 with histidine.
Molecular consequence: missense variant.
Genome position (GRCh38, 1-based): chr8:144,516,173, T>G on the plus strand (A>C on the coding strand, the complement: RECQL4 is on the minus strand). VCF-style: chr8-144516173-T-G. GRCh37 (hg19) VCF-style: chr8-145741557-T-G.
Other names: short protein forms N316H.
Identifiers: ClinVar variation 572092 (VCV000572092.6), dbSNP rs915773238, ClinGen allele CA187688542.